The following is an entry in ClinVar:

ClinVar aggregate classification (germline): Benign. Review status: criteria provided, single submitter (1 of 4 stars). 2 submissions from 2 submitters: Benign (1). 1 of the submissions does not count toward it. Last evaluated 2022-02-18.

Conditions:
SLC25A24-related disorder. Also called: SLC25A24-related condition.

Allele frequency attached by ClinVar (database versions not stated): gnomAD exomes 0.00004; 1000 Genomes Project 30x 0.00016; ExAC 0.00017; 1000 Genomes Project 0.00020; gnomAD 0.00037; ESP Exome Variant Server 0.00042; TOPMed 0.00045.
gnomAD v4.1: 113 of 1,599,948 alleles (0.0071%); highest among the groups gnomAD compares: African/African-American, 0.14%; no homozygotes.

Submissions (2):

Labcorp Genetics (formerly Invitae), Labcorp
Classification: Benign. Last evaluated: 2022-02-18. Review status: criteria provided, single submitter. Criteria: Invitae Variant Classification Sherloc (09022015). Collection method: clinical testing. Allele origin: germline.

PreventionGenetics, part of Exact Sciences
Classification: Likely benign for SLC25A24-related condition. Last evaluated: 2019-12-24. Review status: no assertion criteria provided. Collection method: clinical testing. Allele origin: germline. Not counted in ClinVar's aggregate classification.
Comment: This variant is classified as likely benign based on ACMG/AMP sequence variant interpretation guidelines (Richards et al. 2015 PMID: 25741868, with internal and published modifications).

NM_013386.5(SLC25A24):c.183+7C>T

Gene: SLC25A24 (solute carrier family 25 member 24; minus strand). Cytogenetic location: 1p13.3.
Variant type: single nucleotide variant.
Coding change: c.183+7C>T on transcript NM_013386.5 (MANE Select); 7 bases into the intron after coding-DNA position 183, C replaced by T.
Molecular consequence: intron variant.
Genome position (GRCh38, 1-based): chr1:108,199,949, G>A on the plus strand (C>T on the coding strand, the complement: SLC25A24 is on the minus strand). VCF-style: chr1-108199949-G-A. GRCh37 (hg19) VCF-style: chr1-108742571-G-A.
Other names: c.183+7C>T (NM_013386.4).
Identifiers: ClinVar variation 1907765 (VCV001907765.7), dbSNP rs373023235, ClinGen allele CA979442.